The following is an entry in ClinVar:

ClinVar aggregate classification (germline): Benign/Likely benign. Review status: criteria provided, multiple submitters, no conflicts (2 of 4 stars). 3 submissions from 3 submitters: Benign (1); Likely benign (2). Last evaluated 2026-06-09.

Conditions:
Tumor predisposition syndrome 2 (TPDS2). Also called: MBD4-ASSOCIATED NEOPLASIA SYNDROME; MBD4-Related Tumor Predisposition Syndrome; MBD4-associated neoplasia syndrome (MANS). Identifiers: Orphanet 661526, MedGen C5774186, MONDO:0859267, OMIM 619975.
Inborn genetic diseases. Identifiers: MedGen C0950123, MeSH D030342.

Allele frequency attached by ClinVar (database versions not stated): TOPMed 0.00001; ExAC 0.00004.
gnomAD v4.1: 40 of 1,613,812 alleles (0.0025%); highest among the groups gnomAD compares: Non-Finnish European, 0.0028%; no homozygotes.

Submissions (3):

Myriad Genetics, Inc.
Classification: Benign for Tumor predisposition syndrome 2. Last evaluated: 2026-06-09. Review status: criteria provided, single submitter. Criteria: Myriad Autosomal Dominant, Autosomal Recessive and X-Linked Classification Criteria (2023). Collection method: clinical testing. Allele origin: unknown.
Comment: This variant is considered benign. This variant is a silent/synonymous amino acid change and it is not expected to impact splicing.

Labcorp Genetics (formerly Invitae), Labcorp
Classification: Likely benign. Last evaluated: 2025-10-30. Review status: criteria provided, single submitter. Criteria: Invitae Variant Classification Sherloc (09022015). Collection method: clinical testing. Allele origin: germline.

Ambry Genetics
Classification: Likely benign for Inborn genetic diseases. Last evaluated: 2025-01-05. Review status: criteria provided, single submitter. Criteria: Ambry Variant Classification Scheme 2023. Collection method: clinical testing. Allele origin: germline.

NM_001276270.2(MBD4):c.207C>T (p.Ile69=)

Gene: MBD4 (methyl-CpG binding domain 4, DNA glycosylase; minus strand). Cytogenetic location: 3q21.3.
Variant type: single nucleotide variant.
Coding change: c.207C>T on transcript NM_001276270.2 (MANE Select); coding-DNA position 207, C replaced by T.
Protein change: p.Ile69=; no amino-acid change (isoleucine 69 retained).
Molecular consequence: synonymous variant.
Genome position (GRCh38, 1-based): chr3:129,437,848, G>A on the plus strand (C>T on the coding strand, the complement: MBD4 is on the minus strand). VCF-style: chr3-129437848-G-A. GRCh37 (hg19) VCF-style: chr3-129156691-G-A.
Other names: c.207C>T, p.Ile69= (NM_001276271.2, NM_001276272.2, NM_001276273.2 and 1 more transcripts).
Identifiers: ClinVar variation 1986261 (VCV001986261.6), dbSNP rs745423464, ClinGen allele CA2605585.